The following is an entry in ClinVar:

ClinVar aggregate classification (germline): Uncertain significance (1 of 4 stars; one submission).

Conditions:
Cardiovascular phenotype. Identifiers: MedGen CN230736.

Submission:

Ambry Genetics
Classification: Uncertain significance for Cardiovascular phenotype. Last evaluated: 2023-04-25. Review status: criteria provided, single submitter. Criteria: Ambry Variant Classification Scheme 2023. Collection method: clinical testing. Allele origin: germline.
Comment: The p.L407M variant (also known as c.1219C>A), located in coding exon 10 of the APOB gene, results from a C to A substitution at nucleotide position 1219. The leucine at codon 407 is replaced by methionine, an amino acid with highly similar properties. This amino acid position is conserved. In addition, this alteration is predicted to be tolerated by in silico analysis. Since supporting evidence is limited at this time, the clinical significance of this alteration remains unclear.

NM_000384.3(APOB):c.1219C>A (p.Leu407Met)

Gene: APOB (apolipoprotein B; minus strand). Cytogenetic location: 2p24.1.
Variant type: single nucleotide variant.
Coding change: c.1219C>A on transcript NM_000384.3 (MANE Select); coding-DNA position 1219, C replaced by A.
Protein change: p.Leu407Met; replaces leucine 407 with methionine.
Molecular consequence: missense variant.
Genome position (GRCh38, 1-based): chr2:21,032,487, G>T on the plus strand (C>A on the coding strand, the complement: APOB is on the minus strand). VCF-style: chr2-21032487-G-T. GRCh37 (hg19) VCF-style: chr2-21255359-G-T.
Other names: short protein forms L407M.
Identifiers: ClinVar variation 2565850 (VCV002565850.2), dbSNP rs2465432841, ClinGen allele CA345958106.